The following is an entry in ClinVar:

ClinVar aggregate classification (germline): Pathogenic/Likely pathogenic. Review status: criteria provided, multiple submitters, no conflicts (2 of 4 stars). 4 submissions from 3 submitters: Pathogenic (1); Likely pathogenic (1). 2 of the submissions do not count toward it. Last evaluated 2026-02-23.

Conditions:
Neurodevelopmental disorder, mitochondrial, with abnormal movements and lactic acidosis, with or without seizures. Identifiers: Orphanet 572798, MedGen C4540192, MONDO:0060578, OMIM 617710.
Inborn genetic diseases. Identifiers: MedGen C0950123, MeSH D030342.
Parkinsonism-dystonia 3, childhood-onset (PKDYS3). Identifiers: MedGen C5676913, MONDO:0030676, OMIM 619738.

Submissions (4):

Ambry Genetics
Classification: Likely pathogenic for Inborn genetic diseases. Last evaluated: 2026-02-23. Review status: criteria provided, single submitter. Criteria: Ambry Variant Classification Scheme 2023. Collection method: clinical testing. Allele origin: germline.
Comment: The c.298_300delCTT (p.L100del) alteration is located in exon 2 (coding exon 2) of the WARS2 gene. This alteration consists of an in-frame deletion of 3 nucleotides between nucleotide positions c.298 and c.300, resulting in the deletion of a leucine (L) residue at codon 100. Based on data from gnomAD, the c.298_300delCTT allele has an overall frequency of 0.001% (2/250946) total alleles studied. The highest observed frequency was 0.002% (2/113288) of European (non-Finnish) alleles. This variant has been identified in conjunction with other WARS2 variant(s) in individual(s) with features consistent with mitochondrial tryptophanyl-tRNA synthetase deficiency; in at least one instance, the variants were identified in trans (Theisen, 2017; Skorvanek, 2022). This amino acid position is highly conserved in available vertebrate species. Based on internal structural analysis, this variant is anticipated to result in a significant decrease in structural stability (Musante, 2017; Ambry internal data). This variant is predicted to be deleterious by in silico analysis (Choi, 2012). Based on the available evidence, this alteration is classified as likely pathogenic.

Institute of Human Genetics Munich, TUM University Hospital
Classification: Pathogenic for Neurodevelopmental disorder, mitochondrial, with abnormal movements and lactic acidosis, with or without seizures. Last evaluated: 2020-03-20. Review status: criteria provided, single submitter. Criteria: Classification criteria August 2017. Collection method: clinical testing. Allele origin: maternal. Inheritance: Autosomal recessive inheritance. Affected: yes. Observed: 2 compound heterozygotes.

OMIM
Classification: Pathogenic for NEURODEVELOPMENTAL DISORDER, MITOCHONDRIAL, WITH ABNORMAL MOVEMENTS AND LACTIC ACIDOSIS, WITH SEIZURES. Last evaluated: 2022-02-18. Review status: no assertion criteria provided. Collection method: literature only. Allele origin: germline. Not counted in ClinVar's aggregate classification.

OMIM
Classification: Pathogenic for PARKINSONISM-DYSTONIA 3, CHILDHOOD-ONSET. Last evaluated: 2022-02-18. Review status: no assertion criteria provided. Collection method: literature only. Allele origin: germline. Not counted in ClinVar's aggregate classification.

Literature cited by the submitters: PubMed 10704480 (cited by Ambry Genetics); PubMed 28236339 (cited by Ambry Genetics); PubMed 28650581 (cited by Ambry Genetics and OMIM); PubMed 34890876 (cited by Ambry Genetics and OMIM).

NM_015836.4(WARS2):c.295CTT[1] (p.Leu100del)

Gene: WARS2 (tryptophanyl tRNA synthetase 2, mitochondrial; minus strand). Cytogenetic location: 1p12.
Variant type: Microsatellite.
Coding change: c.295CTT[1] on transcript NM_015836.4 (MANE Select); one copy of the 3-base unit CTT starting at c.295; the reference has two copies in a row; one copy, 3 bases deleted.
Protein change: p.Leu100del; deletes leucine 100.
Molecular consequence: inframe deletion. On other transcripts: intron variant (2).
Genome position (GRCh38, 1-based): chr1:119,076,398-119,076,400, AAG deleted on the plus strand (CTT on the coding strand, the reverse complement: WARS2 is on the minus strand); deleting any 3 consecutive bases within chr1:119,076,398-119,076,405 gives the same sequence; the position shown is the placement nearest the transcript's 3' end. VCF-style (leftmost placement, unchanged base first): chr1-119076397-CAAG-C. GRCh37 (hg19) VCF-style: chr1-119619020-CAAG-C.
Other names: c.226CTT[1], p.Leu77del (NM_001378226.1, NM_001378227.1); c.13CTT[1], p.Leu6del (NM_001378230.1); c.295CTT[1], p.Leu100del (NM_001378231.1, NM_201263.2); c.91-30738_91-30736del (NM_001378229.1); c.177+121_177+123del (NM_001378228.1); c.298_300delCTT (NM_015836.3); short protein forms L100del, L6del, L77del.
Identifiers: ClinVar variation 440916 (VCV000440916.9), dbSNP rs772867219, ClinGen allele CA1035365.